The following is an entry in ClinVar:

NM_000153.4(GALC):c.160G>C (p.Glu54Gln)

Genes: GALC (galactosylceramidase; minus strand), LOC130056217 (ATAC-STARR-seq lymphoblastoid silent region 5988; plus strand). Cytogenetic location: 14q31.3.
Variant type: single nucleotide variant.
Coding change: c.160G>C on transcript NM_000153.4 (MANE Select); coding-DNA position 160, G replaced by C.
Protein change: p.Glu54Gln; replaces glutamic acid 54 with glutamine.
Molecular consequence: missense variant. On other transcripts: 5 prime UTR variant (3), non-coding transcript variant (1), intron variant (2).
Genome position (GRCh38, 1-based): chr14:87,993,005, C>G on the plus strand (G>C on the coding strand, the complement: GALC is on the minus strand). VCF-style: chr14-87993005-C-G. GRCh37 (hg19) VCF-style: chr14-88459349-C-G.
Other names: c.160G>C, p.Glu54Gln (NM_001201401.2); c.-111G>C (NM_001424072.1); c.-277G>C (NM_001424075.1); c.-508G>C (NM_001424077.1); c.-473+378G>C (NM_001424076.1); c.117+378G>C (NM_001201402.2); short protein forms E54Q.
Identifiers: ClinVar variation 3636107 (VCV003636107.2).

ClinVar aggregate classification (germline): Uncertain significance (1 of 4 stars; one submission).

Conditions:
Galactosylceramide beta-galactosidase deficiency. Also called: Leukodystrophy, Globoid Cell; Krabbe Disease; GALACTOCEREBROSIDASE DEFICIENCY; GALC DEFICIENCY; GLOBOID CELL LEUKOENCEPHALOPATHY. Identifiers: Orphanet 487, MedGen C0023521, MONDO:0009499, OMIM 245200.

Submission:

Labcorp Genetics (formerly Invitae), Labcorp
Classification: Uncertain significance for Galactosylceramide beta-galactosidase deficiency. Last evaluated: 2024-10-30. Review status: criteria provided, single submitter. Criteria: Invitae Variant Classification Sherloc (09022015). Collection method: clinical testing. Allele origin: germline.
Comment: This sequence change replaces glutamic acid, which is acidic and polar, with glutamine, which is neutral and polar, at codon 54 of the GALC protein (p.Glu54Gln). This variant is not present in population databases (gnomAD no frequency). This variant has not been reported in the literature in individuals affected with GALC-related conditions. Invitae Evidence Modeling of protein sequence and biophysical properties (such as structural, functional, and spatial information, amino acid conservation, physicochemical variation, residue mobility, and thermodynamic stability) indicates that this missense variant is not expected to disrupt GALC protein function with a negative predictive value of 95%. In summary, the available evidence is currently insufficient to determine the role of this variant in disease. Therefore, it has been classified as a Variant of Uncertain Significance.